The following is an entry in ClinVar:

NM_004974.4(KCNA2):c.905_906del (p.Val301_Phe302insTer)

Gene: KCNA2 (potassium voltage-gated channel subfamily A member 2; minus strand). Cytogenetic location: 1p13.3.
Variant type: Deletion.
Coding change: c.905_906del on transcript NM_004974.4 (MANE Select); coding-DNA positions 905 to 906, 2 bases deleted (TT; older notation c.905_906delTT).
Protein change: p.Val301_Phe302insTer.
Molecular consequence: nonsense. On other transcripts: intron variant (1).
Genome position (GRCh38, 1-based): chr1:110,603,877-110,603,878, AA deleted on the plus strand (TT on the coding strand, the reverse complement: KCNA2 is on the minus strand); deleting any 2 consecutive bases within chr1:110,603,877-110,603,879 gives the same sequence; the c. name uses the placement nearest the transcript's 3' end. VCF-style (leftmost placement, unchanged base first): chr1-110603876-TAA-T. GRCh37 (hg19) VCF-style: chr1-111146498-TAA-T.
Other names: c.894+11_894+12del (NM_001204269.2).
Identifiers: ClinVar variation 1434417 (VCV001434417.8), dbSNP rs2101398557, ClinGen allele CA2573130951.

ClinVar aggregate classification (germline): Uncertain significance (1 of 4 stars; one submission).

Conditions:
Developmental and epileptic encephalopathy, 32 (DEE32). Also called: Epileptic encephalopathy, early infantile, 32. Identifiers: Orphanet 442835, MedGen C4225350, MONDO:0014607, OMIM 616366.

Submission:

Labcorp Genetics (formerly Invitae), Labcorp
Classification: Uncertain significance for Developmental and epileptic encephalopathy, 32. Last evaluated: 2024-02-16. Review status: criteria provided, single submitter. Criteria: Invitae Variant Classification Sherloc (09022015). Collection method: clinical testing. Allele origin: germline.
Comment: This sequence change creates a premature translational stop signal (p.Phe302*) in the KCNA2 gene. While this is not anticipated to result in nonsense mediated decay, it is expected to disrupt the last 198 amino acid(s) of the KCNA2 protein. This variant is not present in population databases (gnomAD no frequency). This premature translational stop signal has been observed in individual(s) with clinical features of KCNA2-related disorders (Invitae). ClinVar contains an entry for this variant (Variation ID: 1434417). Experimental studies and prediction algorithms are not available or were not evaluated, and the functional significance of this variant is currently unknown. In summary, the available evidence is currently insufficient to determine the role of this variant in disease. Therefore, it has been classified as a Variant of Uncertain Significance.